The following is an entry in ClinVar:

ClinVar aggregate classification (germline): Uncertain significance. Review status: criteria provided, multiple submitters, no conflicts (2 of 4 stars). 2 submissions from 2 submitters: Uncertain significance (2). Last evaluated 2023-02-20.

Allele frequency attached by ClinVar (database versions not stated): gnomAD exomes 0.00002; ExAC 0.00030.
gnomAD v4.1: 40 of 1,453,886 alleles (0.0028%); highest among the groups gnomAD compares: Non-Finnish European, 0.0026%; 1 homozygote.

Submissions (2):

Blueprint Genetics
Classification: Uncertain significance. Last evaluated: 2023-02-20. Review status: criteria provided, single submitter. Criteria: ACMG Guidelines, 2015. Collection method: clinical testing. Allele origin: germline.

Labcorp Genetics (formerly Invitae), Labcorp
Classification: Uncertain significance. Last evaluated: 2021-08-31. Review status: criteria provided, single submitter. Criteria: Invitae Variant Classification Sherloc (09022015). Collection method: clinical testing. Allele origin: germline.
Comment: This sequence change replaces arginine with proline at codon 2007 of the SPEG protein (p.Arg2007Pro). The arginine residue is highly conserved and there is a moderate physicochemical difference between arginine and proline. While this variant is present in population databases (rs747077634), the frequency information is unreliable, as metrics indicate poor data quality at this position in the ExAC database. This variant has not been reported in the literature in individuals affected with SPEG-related conditions. Algorithms developed to predict the effect of missense changes on protein structure and function are either unavailable or do not agree on the potential impact of this missense change (SIFT: "Deleterious"; PolyPhen-2: "Possibly Damaging"; Align-GVGD: "Class C0"). In summary, the available evidence is currently insufficient to determine the role of this variant in disease. Therefore, it has been classified as a Variant of Uncertain Significance.

NM_005876.5(SPEG):c.6020G>C (p.Arg2007Pro)

Genes: ASIC4-AS1 (ASIC4 antisense RNA 1; minus strand), SPEG (striated muscle enriched protein kinase; plus strand). Cytogenetic location: 2q35.
Variant type: single nucleotide variant.
Coding change: c.6020G>C on transcript NM_005876.5 (MANE Select); coding-DNA position 6020, G replaced by C.
Protein change: p.Arg2007Pro; replaces arginine 2007 with proline.
Molecular consequence: missense variant.
Genome position (GRCh38, 1-based): chr2:219,483,483, G>C. VCF-style: chr2-219483483-G-C. GRCh37 (hg19) VCF-style: chr2-220348205-G-C.
Other names: short protein forms R2007P.
Identifiers: ClinVar variation 1348293 (VCV001348293.6), dbSNP rs747077634, ClinGen allele CA2126988.